The following is an entry in ClinVar:

NM_005431.2(XRCC2):c.653A>G (p.Asp218Gly)

Gene: XRCC2 (X-ray repair cross complementing 2; minus strand). Cytogenetic location: 7q36.1.
Variant type: single nucleotide variant.
Coding change: c.653A>G on transcript NM_005431.2 (MANE Select); coding-DNA position 653, A replaced by G.
Protein change: p.Asp218Gly; replaces aspartic acid 218 with glycine.
Molecular consequence: missense variant.
Genome position (GRCh38, 1-based): chr7:152,648,832, T>C on the plus strand (A>G on the coding strand, the complement: XRCC2 is on the minus strand). VCF-style: chr7-152648832-T-C. GRCh37 (hg19) VCF-style: chr7-152345917-T-C.
Other names: short protein forms D218G.
Identifiers: ClinVar variation 1056473 (VCV001056473.11), dbSNP rs2116987269, ClinGen allele CA370198243.
Genomic context (GRCh38, chr7:152,648,832, plus strand): 5'-CTGTGCTTCACCAGTTGCTGCCATGCCTTACAGAGATAAGGTCTGTAGTCTATGTCCACA[T>C]CACACAGTCGTCGAGAGGCATGAGAAGGTTCTTCTGATGAGCTCGAGGCTTTCTGCATTA-3'
Protein context (NP_005422.1, residues 208-228): EPSHASRRLC[Asp218Gly]VDIDYRPYLC

ClinVar aggregate classification (germline): Uncertain significance. Review status: criteria provided, multiple submitters, no conflicts (2 of 4 stars). 2 submissions from 2 submitters: Uncertain significance (2). Last evaluated 2022-08-15.

Conditions:
Hereditary cancer-predisposing syndrome. Also called: Hereditary Cancer Syndrome; Tumor predisposition; Hereditary neoplastic syndrome; Neoplastic Syndromes, Hereditary. Identifiers: Orphanet 140162, MedGen C0027672, MeSH D009386, MONDO:0015356.

Allele frequency attached by ClinVar (database versions not stated): gnomAD exomes below 0.00001.
gnomAD v4.1: 1 of 1,613,932 alleles (0.000062%); highest among the groups gnomAD compares: Non-Finnish European, 0.000085%; no homozygotes.

Submissions (2):

Labcorp Genetics (formerly Invitae), Labcorp
Classification: Uncertain significance. Last evaluated: 2022-08-15. Review status: criteria provided, single submitter. Criteria: Invitae Variant Classification Sherloc (09022015). Collection method: clinical testing. Allele origin: germline.
Comment: In summary, the available evidence is currently insufficient to determine the role of this variant in disease. Therefore, it has been classified as a Variant of Uncertain Significance. This variant is not present in population databases (gnomAD no frequency). This sequence change replaces aspartic acid, which is acidic and polar, with glycine, which is neutral and non-polar, at codon 218 of the XRCC2 protein (p.Asp218Gly). This variant has not been reported in the literature in individuals affected with XRCC2-related conditions. ClinVar contains an entry for this variant (Variation ID: 1056473). Algorithms developed to predict the effect of missense changes on protein structure and function are either unavailable or do not agree on the potential impact of this missense change (SIFT: "Deleterious"; PolyPhen-2: "Benign"; Align-GVGD: "Class C0"). Algorithms developed to predict the effect of sequence changes on RNA splicing suggest that this variant may create or strengthen a splice site.

Ambry Genetics
Classification: Uncertain significance for Hereditary cancer-predisposing syndrome. Last evaluated: 2021-06-25. Review status: criteria provided, single submitter. Criteria: Ambry Variant Classification Scheme 2023. Collection method: clinical testing. Allele origin: germline.
Comment: The p.D218G variant (also known as c.653A>G), located in coding exon 3 of the XRCC2 gene, results from an A to G substitution at nucleotide position 653. The aspartic acid at codon 218 is replaced by glycine, an amino acid with similar properties. This amino acid position is conserved. In addition, this alteration is predicted to be tolerated by in silico analysis. Since supporting evidence is limited at this time, the clinical significance of this alteration remains unclear.